The following is an entry in ClinVar:

NM_018847.4(KLHL9):c.1171T>C (p.Phe391Leu)

Gene: KLHL9 (kelch like family member 9; minus strand). Cytogenetic location: 9p21.3.
Variant type: single nucleotide variant.
Coding change: c.1171T>C on transcript NM_018847.4 (MANE Select); coding-DNA position 1171, T replaced by C.
Protein change: p.Phe391Leu; replaces phenylalanine 391 with leucine.
Molecular consequence: missense variant.
Genome position (GRCh38, 1-based): chr9:21,333,689, A>G on the plus strand (T>C on the coding strand, the complement: KLHL9 is on the minus strand). VCF-style: chr9-21333689-A-G. GRCh37 (hg19) VCF-style: chr9-21333688-A-G.
Other names: short protein forms F391L.
Identifiers: ClinVar variation 3704724 (VCV003704724.2).

ClinVar aggregate classification (germline): Uncertain significance (1 of 4 stars; one submission).

Submission:

Labcorp Genetics (formerly Invitae), Labcorp
Classification: Uncertain significance. Last evaluated: 2025-01-26. Review status: criteria provided, single submitter. Criteria: Invitae Variant Classification Sherloc (09022015). Collection method: clinical testing. Allele origin: germline.
Comment: This sequence change replaces phenylalanine, which is neutral and non-polar, with leucine, which is neutral and non-polar, at codon 391 of the KLHL9 protein (p.Phe391Leu). This variant is not present in population databases (gnomAD no frequency). This variant has not been reported in the literature in individuals affected with KLHL9-related conditions. Invitae Evidence Modeling of protein sequence and biophysical properties (such as structural, functional, and spatial information, amino acid conservation, physicochemical variation, residue mobility, and thermodynamic stability) indicates that this missense variant is not expected to disrupt KLHL9 protein function with a negative predictive value of 80%. In summary, the available evidence is currently insufficient to determine the role of this variant in disease. Therefore, it has been classified as a Variant of Uncertain Significance.